The following is an entry in ClinVar:

NC_000022.11:g.40346019G>A

Gene: ADSL (adenylosuccinate lyase; plus strand). Cytogenetic location: 22q13.1.
Variant type: single nucleotide variant.
Genome position: GRCh38 VCF-style: chr22-40346019-G-A. GRCh37 (hg19) VCF-style: chr22-40742023-G-A.
Identifiers: ClinVar variation 1506446 (VCV001506446.6), dbSNP rs1024075575, ClinGen allele CA2573158343.
Genomic context (GRCh38, chr22:40,346,019, plus strand): 5'-CTTGGGTATCTTCATTTCTCCTTAGAGCCGAGCTCGGTGCGCCGCGGGCAGGAGTGGGTG[G>A]GGCGACAGTAATAAGAGTAACAGCAAGCGTACACACGGCCTTCCAAGTGTGCCAGACACC-3'

ClinVar aggregate classification (germline): Uncertain significance (1 of 4 stars; one submission).

Conditions:
Adenylosuccinate lyase deficiency (ADSLD). Also called: ADSL DEFICIENCY. Identifiers: Orphanet 46, MedGen C0268126, MONDO:0007068, OMIM 103050.

Submission:

Labcorp Genetics (formerly Invitae), Labcorp
Classification: Uncertain significance for Adenylosuccinate lyase deficiency. Last evaluated: 2025-04-28. Review status: criteria provided, single submitter. Criteria: Invitae Variant Classification Sherloc (09022015). Collection method: clinical testing. Allele origin: germline.
Comment: This variant occurs in a non-coding region of the ADSL gene. It does not change the encoded amino acid sequence of the ADSL protein. This variant is not present in population databases (gnomAD no frequency). This variant has not been reported in the literature in individuals affected with ADSL-related conditions. Experimental studies and prediction algorithms are not available or were not evaluated, and the functional significance of this variant is currently unknown. In summary, the available evidence is currently insufficient to determine the role of this variant in disease. Therefore, it has been classified as a Variant of Uncertain Significance.